The following is an entry in ClinVar:

NM_006516.4(SLC2A1):c.49G>A (p.Gly17Arg)

Gene: SLC2A1 (solute carrier family 2 member 1; minus strand). Cytogenetic location: 1p34.2.
Variant type: single nucleotide variant.
Coding change: c.49G>A on transcript NM_006516.4 (MANE Select); coding-DNA position 49, G replaced by A.
Protein change: p.Gly17Arg; replaces glycine 17 with arginine.
Molecular consequence: missense variant.
Genome position (GRCh38, 1-based): chr1:42,943,291, C>T on the plus strand (G>A on the coding strand, the complement: SLC2A1 is on the minus strand). VCF-style: chr1-42943291-C-T. GRCh37 (hg19) VCF-style: chr1-43408962-C-T.
Other names: short protein forms G17R.
Identifiers: ClinVar variation 597357 (VCV000597357.13), dbSNP rs1345986424, ClinGen allele CA339964863.

ClinVar aggregate classification (germline): Pathogenic/Likely pathogenic. Review status: criteria provided, multiple submitters, no conflicts (2 of 4 stars). 3 submissions from 3 submitters: Pathogenic (1); Likely pathogenic (2). Last evaluated 2024-06-04.

Conditions:
Encephalopathy due to GLUT1 deficiency. Also called: De Vivo disease; GLUT1 deficiency syndrome 1; Classic Glucose Transporter Type 1 Deficiency Syndrome; GLUCOSE TRANSPORT DEFECT, BLOOD-BRAIN BARRIER; Glucose transporter protein syndrome; GLUT1 deficiency syndrome 1, infantile onset, severe. Identifiers: Orphanet 71277, MedGen C4551966, MONDO:0011724, OMIM 606777.
GLUT1 deficiency syndrome 1, autosomal recessive. Identifiers: MedGen C3149117.

Submissions (3):

Labcorp Genetics (formerly Invitae), Labcorp
Classification: Pathogenic for GLUT1 deficiency syndrome 1, autosomal recessive. Last evaluated: 2024-06-04. Review status: criteria provided, single submitter. Criteria: Invitae Variant Classification Sherloc (09022015). Collection method: clinical testing. Allele origin: germline.
Comment: This sequence change replaces glycine, which is neutral and non-polar, with arginine, which is basic and polar, at codon 17 of the SLC2A1 protein (p.Gly17Arg). This variant is not present in population databases (gnomAD no frequency). This missense change has been observed in individual(s) with glucose transporter type 1 deficiency syndrome (PMID: 36480001; Invitae). In at least one individual the variant was observed to be de novo. ClinVar contains an entry for this variant (Variation ID: 597357). Advanced modeling of protein sequence and biophysical properties (such as structural, functional, and spatial information, amino acid conservation, physicochemical variation, residue mobility, and thermodynamic stability) has been performed at Invitae for this missense variant, however the output from this modeling did not meet the statistical confidence thresholds required to predict the impact of this variant on SLC2A1 protein function. For these reasons, this variant has been classified as Pathogenic.

Genome-Nilou Lab
Classification: Likely pathogenic for Encephalopathy due to GLUT1 deficiency. Last evaluated: 2023-04-11. Review status: criteria provided, single submitter. Criteria: ACMG Guidelines, 2015. Collection method: clinical testing. Allele origin: germline. Affected: no.

Eurofins Ntd Llc (ga)
Classification: Likely pathogenic. Last evaluated: 2018-05-22. Review status: criteria provided, single submitter. Criteria: EGL ClinVar v180209 classification definitions. Collection method: clinical testing. Allele origin: germline. Observed: 1 variant allele, 1 heterozygote.

Literature cited by the submitters: PubMed 36480001 (cited by Labcorp Genetics (formerly Invitae), Labcorp).